The following is an entry in ClinVar:

NM_000142.5(FGFR3):c.932C>T (p.Thr311Met)

Gene: FGFR3 (fibroblast growth factor receptor 3; plus strand). Cytogenetic location: 4p16.3.
Variant type: single nucleotide variant.
Coding change: c.932C>T on transcript NM_000142.5 (MANE Select); coding-DNA position 932, C replaced by T.
Protein change: p.Thr311Met; replaces threonine 311 with methionine.
Molecular consequence: missense variant. On other transcripts: non-coding transcript variant (1), intron variant (2).
Genome position (GRCh38, 1-based): chr4:1,803,693, C>T. VCF-style: chr4-1803693-C-T. GRCh37 (hg19) VCF-style: chr4-1805420-C-T.
Other names: c.932C>T, p.Thr311Met (NM_001354809.2, NM_001354810.2); c.1081+629C>T (NM_001163213.2); c.931-1131C>T (NM_022965.4); short protein forms T311M.
Identifiers: ClinVar variation 1301520 (VCV001301520.6), dbSNP rs761527653, ClinGen allele CA2810129.

ClinVar aggregate classification (germline): Uncertain significance. Review status: criteria provided, multiple submitters, no conflicts (2 of 4 stars). 2 submissions from 2 submitters: Uncertain significance (2). Last evaluated 2023-10-10.

Allele frequency attached by ClinVar (database versions not stated): gnomAD exomes below 0.00001 and 0.00002; gnomAD 0.00001; TOPMed 0.00001; ExAC 0.00003.
gnomAD v4.1: 27 of 1,613,396 alleles (0.0017%); highest among the groups gnomAD compares: East Asian, 0.0045%; no homozygotes.

Submissions (2):

Labcorp Genetics (formerly Invitae), Labcorp
Classification: Uncertain significance. Last evaluated: 2023-10-10. Review status: criteria provided, single submitter. Criteria: Invitae Variant Classification Sherloc (09022015). Collection method: clinical testing. Allele origin: germline.
Comment: This sequence change replaces threonine, which is neutral and polar, with methionine, which is neutral and non-polar, at codon 311 of the FGFR3 protein (p.Thr311Met). This variant is present in population databases (rs761527653, gnomAD 0.003%). This variant has not been reported in the literature in individuals affected with FGFR3-related conditions. ClinVar contains an entry for this variant (Variation ID: 1301520). An algorithm developed to predict the effect of missense changes on protein structure and function (PolyPhen-2) suggests that this variant is likely to be disruptive. In summary, the available evidence is currently insufficient to determine the role of this variant in disease. Therefore, it has been classified as a Variant of Uncertain Significance.

GeneDx
Classification: Uncertain significance. Last evaluated: 2021-10-04. Review status: criteria provided, single submitter. Criteria: GeneDx Variant Classification Process June 2021. Collection method: clinical testing. Allele origin: germline. Affected: yes.
Comment: Not observed at a significant frequency in large population cohorts (Lek et al., 2016); In silico analysis supports that this missense variant has a deleterious effect on protein structure/function; Has not been previously published as pathogenic or benign to our knowledge